The following is an entry in ClinVar:

NM_000038.6(APC):c.8023C>A (p.Pro2675Thr)

Gene: APC (APC regulator of WNT signaling pathway; plus strand). Cytogenetic location: 5q22.2.
Variant type: single nucleotide variant.
Coding change: c.8023C>A on transcript NM_000038.6 (MANE Select); coding-DNA position 8023, C replaced by A.
Protein change: p.Pro2675Thr; replaces proline 2675 with threonine.
Molecular consequence: missense variant. On other transcripts: non-coding transcript variant (2).
Genome position (GRCh38, 1-based): chr5:112,843,617, C>A. VCF-style: chr5-112843617-C-A. GRCh37 (hg19) VCF-style: chr5-112179314-C-A.
Other names: c.8023C>A, p.Pro2675Thr (NM_001127510.3, NM_001354895.2, NM_001407450.1); c.7969C>A, p.Pro2657Thr (NM_001127511.3); c.8077C>A, p.Pro2693Thr (NM_001354896.2, NM_001407447.1, NM_001407448.1 and 1 more transcripts); c.8053C>A, p.Pro2685Thr (NM_001354897.2); c.7948C>A, p.Pro2650Thr (NM_001354898.2); c.7939C>A, p.Pro2647Thr (NM_001354899.2); c.7900C>A, p.Pro2634Thr (NM_001354900.2); c.7846C>A, p.Pro2616Thr (NM_001354901.2, NM_001407453.1); and 11 more; short protein forms P2291T, P2392T, P2515T, P2546T, P2549T, P2574T, P2584T, P2592T.
Identifiers: ClinVar variation 3387102 (VCV003387102.1).

ClinVar aggregate classification (germline): Uncertain significance (1 of 4 stars; one submission).

Conditions:
Classic or attenuated familial adenomatous polyposis. Identifiers: MedGen CN372698, MONDO:0021057.

Submission:

All of Us Research Program, National Institutes of Health
Classification: Uncertain significance for Classic or attenuated familial adenomatous polyposis. Last evaluated: 2024-03-24. Review status: criteria provided, single submitter. Criteria: ACMG Guidelines, 2015. Collection method: clinical testing. Allele origin: germline. Inheritance: Autosomal dominant inheritance. Observed: 1 variant allele, 1 heterozygote.
Comment: This missense variant replaces proline with threonine at codon 2675 of the APC protein. Computational prediction suggests that this variant may not impact protein structure and function (internally defined REVEL score threshold <= 0.5, PMID: 27666373). To our knowledge, functional studies have not been reported for this variant. This variant has not been reported in individuals affected with APC-related disorders in the literature. This variant has not been identified in the general population by the Genome Aggregation Database (gnomAD). The available evidence is insufficient to determine the role of this variant in disease conclusively. Therefore, this variant is classified as a Variant of Uncertain Significance.

This study involves interpretation of variants in research participants for the purpose of population health screening. Participant phenotype was not available at the time of variant classification. Additional details can be found in publication PMID: 35346344, PMCID: PMC8962531